The following is an entry in ClinVar:

NM_002470.4(MYH3):c.642+6G>C

Gene: MYH3 (myosin heavy chain 3; minus strand). Cytogenetic location: 17p13.1.
Variant type: single nucleotide variant.
Coding change: c.642+6G>C on transcript NM_002470.4 (MANE Select); 6 bases into the intron after coding-DNA position 642, G replaced by C.
Molecular consequence: intron variant.
Genome position (GRCh38, 1-based): chr17:10,649,571, C>G on the plus strand (G>C on the coding strand, the complement: MYH3 is on the minus strand). VCF-style: chr17-10649571-C-G. GRCh37 (hg19) VCF-style: chr17-10552888-C-G.
Identifiers: ClinVar variation 2001429 (VCV002001429.4), dbSNP rs762850369, ClinGen allele CA8393209.

ClinVar aggregate classification (germline): Uncertain significance (1 of 4 stars; one submission).

Allele frequency attached by ClinVar (database versions not stated): ExAC 0.00001.
gnomAD v4.1: 2 of 1,609,304 alleles (0.00012%); highest among the groups gnomAD compares: Non-Finnish European, 0.000085%; no homozygotes.

Submission:

Labcorp Genetics (formerly Invitae), Labcorp
Classification: Uncertain significance. Last evaluated: 2022-05-31. Review status: criteria provided, single submitter. Criteria: Invitae Variant Classification Sherloc (09022015). Collection method: clinical testing. Allele origin: germline.
Comment: This sequence change falls in intron 7 of the MYH3 gene. It does not directly change the encoded amino acid sequence of the MYH3 protein. It affects a nucleotide within the consensus splice site. This variant is not present in population databases (gnomAD no frequency). This variant has not been reported in the literature in individuals affected with MYH3-related conditions. Variants that disrupt the consensus splice site are a relatively common cause of aberrant splicing (PMID: 17576681, 9536098). Algorithms developed to predict the effect of sequence changes on RNA splicing suggest that this variant is not likely to affect RNA splicing. In summary, the available evidence is currently insufficient to determine the role of this variant in disease. Therefore, it has been classified as a Variant of Uncertain Significance.

Literature cited by the submitters: PubMed 17576681; PubMed 9536098.